The following is an entry in ClinVar:

ClinVar aggregate classification (germline): Likely benign. Review status: criteria provided, multiple submitters, no conflicts (2 of 4 stars). 3 submissions from 3 submitters: Likely benign (3). Last evaluated 2026-01-28.

Conditions:
PANK2-related disorder. Also called: PANK2-related condition.
Pigmentary pallidal degeneration (NBIA1). Also called: PKAN NEUROAXONAL DYSTROPHY, JUVENILE-ONSET; Neurodegeneration with brain iron accumulation 1; HARP SYNDROME; Pantothenate Kinase-Associated Neurodegeneration; Neuroaxonal dystrophy, late infantile; Hallervorden-Spatz disease. Identifiers: Orphanet 157850, MedGen C0018523, MONDO:0009319, OMIM 234200.

Allele frequency attached by ClinVar (database versions not stated): ExAC 0.00004; gnomAD exomes 0.00004; gnomAD 0.00006 and 0.00007; TOPMed 0.00006.
gnomAD v4.1: 103 of 1,613,952 alleles (0.0064%); highest among the groups gnomAD compares: East Asian, 0.013%; no homozygotes.

Submissions (3):

Labcorp Genetics (formerly Invitae), Labcorp
Classification: Likely benign for Pigmentary pallidal degeneration. Last evaluated: 2026-01-28. Review status: criteria provided, single submitter. Criteria: Invitae Variant Classification Sherloc (09022015). Collection method: clinical testing. Allele origin: germline.

PreventionGenetics, part of Exact Sciences
Classification: Likely benign for PANK2-related condition. Last evaluated: 2025-06-25. Review status: criteria provided, single submitter. Criteria: ACMG Guidelines, 2015. Collection method: clinical testing. Allele origin: germline.
Comment: This variant is classified as likely benign based on ACMG/AMP sequence variant interpretation guidelines (Richards et al. 2015 PMID: 25741868, with internal and published modifications).

Blueprint Genetics
Classification: Likely benign. Last evaluated: 2024-05-03. Review status: criteria provided, single submitter. Criteria: ACMG Guidelines, 2015. Collection method: clinical testing. Allele origin: germline.

NM_001386393.1(PANK2):c.726C>T (p.Val242=)

Gene: PANK2 (pantothenate kinase 2; plus strand). Cytogenetic location: 20p13.
Variant type: single nucleotide variant.
Coding change: c.726C>T on transcript NM_001386393.1 (MANE Select); coding-DNA position 726, C replaced by T.
Protein change: p.Val242=; no amino-acid change (valine 242 retained).
Molecular consequence: synonymous variant. On other transcripts: 5 prime UTR variant (1), non-coding transcript variant (1).
Genome position (GRCh38, 1-based): chr20:3,910,651, C>T. VCF-style: chr20-3910651-C-T. GRCh37 (hg19) VCF-style: chr20-3891298-C-T.
Other names: c.1056C>T (NM_153638.3); c.183C>T, p.Val61= (NM_001324191.2, NM_024960.6, NM_153640.4); c.-253C>T (NM_001324193.2); c.1056C>T, p.Val352= (NM_153638.4).
Identifiers: ClinVar variation 1622323 (VCV001622323.10), dbSNP rs375227097, ClinGen allele CA9750759.
Genomic context (GRCh38, chr20:3,910,651, plus strand): 5'-GCTTTGCAAACTGGATGAACTAGATTGCTTGATCAAAGGAATTTTATACATTGACTCAGT[C>T]GGATTCAATGGACGGTCACAGTGCTATTACTTTGAAAACCCTGCTGATTCTGAAAAGTGT-3'
Protein context (NP_001373322.1, residues 232-252): LIKGILYIDS[Val242=]GFNGRSQCYY